The following is an entry in ClinVar:

ClinVar aggregate classification (germline): Pathogenic (1 of 4 stars; one submission).

Submission:

Labcorp Genetics (formerly Invitae), Labcorp
Classification: Pathogenic. Last evaluated: 2022-02-22. Review status: criteria provided, single submitter. Criteria: Invitae Variant Classification Sherloc (09022015). Collection method: clinical testing. Allele origin: germline.
Comment: A gross deletion of the genomic region encompassing the full coding sequence of the PDE6C gene has been identified. Loss-of-function variants in PDE6C are known to be pathogenic (PMID: 19887631, 23776498, 26103963, 30080950). The boundaries of this event are unknown as they extend beyond the assayed region for this gene and therefore may encompass additional genes. This variant has not been reported in the literature in individuals affected with PDE6C-related conditions. For these reasons, this variant has been classified as Pathogenic.

Literature cited by the submitters: PubMed 19887631; PubMed 23776498; PubMed 26103963; PubMed 30080950.

NC_000010.10:g.(?_95361588)_(95425175_?)del

Gene: PDE6C (phosphodiesterase 6C; plus strand). Cytogenetic location: 10q23.33.
Variant type: Deletion.
Identifiers: ClinVar variation 2425523 (VCV002425523.3).